The following is an entry in ClinVar:

NM_153717.3(EVC):c.410C>T (p.Pro137Leu)

Gene: EVC (EvC ciliary complex subunit 1; plus strand). Cytogenetic location: 4p16.2.
Variant type: single nucleotide variant.
Coding change: c.410C>T on transcript NM_153717.3 (MANE Select); coding-DNA position 410, C replaced by T.
Protein change: p.Pro137Leu; replaces proline 137 with leucine.
Molecular consequence: missense variant.
Genome position (GRCh38, 1-based): chr4:5,731,450, C>T. VCF-style: chr4-5731450-C-T. GRCh37 (hg19) VCF-style: chr4-5733177-C-T.
Other names: c.410C>T, p.Pro137Leu (NM_001306090.2, NM_001306092.2); short protein forms P137L.
Identifiers: ClinVar variation 1947307 (VCV001947307.3), dbSNP rs2474667581, ClinGen allele CA356142525.
Genomic context (GRCh38, chr4:5,731,450, plus strand): 5'-ACATGGACTGAGTGTGACTCCTACTGCCACCCCAGCCTCTGGCCGATGGCTCCTCCAACC[C>T]GTCTCTGCATGAAAACTTAAAGCAGGCTGTTTTGCCACACCAGCCGGTAGAGGCCTCTCC-3'
Protein context (NP_714928.1, residues 127-147): FRPLADGSSN[Pro137Leu]SLHENLKQAV

ClinVar aggregate classification (germline): Uncertain significance (1 of 4 stars; one submission).

Conditions:
Ellis-van Creveld syndrome (EVC). Also called: EVC-Related Ellis-van Creveld Syndrome; EVC2-Related Ellis-van Creveld Syndrome; Chondroectodermal dysplasia; MESOECTODERMAL DYSPLASIA. Identifiers: Orphanet 289, MedGen C0013903, MONDO:0009162, OMIM 225500.
Curry-Hall syndrome (WAD). Also called: WEYERS ACRODENTAL DYSOSTOSIS. Identifiers: Orphanet 952, MedGen C0457013, MONDO:0008673, OMIM 193530.

gnomAD v4.1: 6 of 1,613,500 alleles (0.00037%); highest among the groups gnomAD compares: East Asian, 0.0045%; no homozygotes.

Submission:

Labcorp Genetics (formerly Invitae), Labcorp
Classification: Uncertain significance for Curry-Hall syndrome; Ellis-van Creveld syndrome. Last evaluated: 2022-01-17. Review status: criteria provided, single submitter. Criteria: Invitae Variant Classification Sherloc (09022015). Collection method: clinical testing. Allele origin: germline.
Comment: In summary, the available evidence is currently insufficient to determine the role of this variant in disease. Therefore, it has been classified as a Variant of Uncertain Significance. Algorithms developed to predict the effect of missense changes on protein structure and function are either unavailable or do not agree on the potential impact of this missense change (SIFT: "Deleterious"; PolyPhen-2: "Probably Damaging"; Align-GVGD: "Class C0"). This variant has not been reported in the literature in individuals affected with EVC-related conditions. This variant is not present in population databases (gnomAD no frequency). This sequence change replaces proline, which is neutral and non-polar, with leucine, which is neutral and non-polar, at codon 137 of the EVC protein (p.Pro137Leu).